The following is an entry in ClinVar:

ClinVar aggregate classification (germline): Uncertain significance (1 of 4 stars; one submission).

Conditions:
Congenital hyperammonemia, type I. Also called: CPS I DEFICIENCY; Carbamoyl-phosphate synthase I deficiency; Carbamoyl phosphate synthetase 1 deficiency; Hyperammonemia due to carbamoyl phosphate synthetase 1 deficiency; CPS 1 deficiency; Carbamyl phosphate synthetase (CPS) deficiency. Identifiers: Orphanet 147, MedGen C4082171, MONDO:0009376, OMIM 237300.

Allele frequency attached by ClinVar (database versions not stated): gnomAD exomes below 0.00001.
gnomAD v4.1: 1 of 1,613,764 alleles (0.000062%); highest among the groups gnomAD compares: Non-Finnish European, 0.000085%; no homozygotes.

Submission:

Labcorp Genetics (formerly Invitae), Labcorp
Classification: Uncertain significance for Congenital hyperammonemia, type I. Last evaluated: 2021-06-16. Review status: criteria provided, single submitter. Criteria: Invitae Variant Classification Sherloc (09022015). Collection method: clinical testing. Allele origin: germline.
Comment: In summary, the available evidence is currently insufficient to determine the role of this variant in disease. Therefore, it has been classified as a Variant of Uncertain Significance. Algorithms developed to predict the effect of missense changes on protein structure and function are either unavailable or do not agree on the potential impact of this missense change (SIFT: "Deleterious"; PolyPhen-2: "Probably Damaging"; Align-GVGD: "Class C0"). This variant has not been reported in the literature in individuals with CPS1-related conditions. This variant is not present in population databases (ExAC no frequency). This sequence change replaces alanine with glycine at codon 1349 of the CPS1 protein (p.Ala1349Gly). The alanine residue is highly conserved and there is a small physicochemical difference between alanine and glycine.

NM_001875.5(CPS1):c.4046C>G (p.Ala1349Gly)

Gene: CPS1 (carbamoyl-phosphate synthase 1; plus strand). Cytogenetic location: 2q34.
Variant type: single nucleotide variant.
Coding change: c.4046C>G on transcript NM_001875.5 (MANE Select); coding-DNA position 4046, C replaced by G.
Protein change: p.Ala1349Gly; replaces alanine 1349 with glycine.
Molecular consequence: missense variant. On other transcripts: non-coding transcript variant (2).
Genome position (GRCh38, 1-based): chr2:210,668,229, C>G. VCF-style: chr2-210668229-C-G. GRCh37 (hg19) VCF-style: chr2-211532953-C-G.
Other names: c.4046C>G, p.Ala1349Gly (NM_001122633.3, NM_001369257.1); c.4079C>G, p.Ala1360Gly (NM_001369256.1); short protein forms A1360G, A1349G.
Identifiers: ClinVar variation 1359566 (VCV001359566.8), dbSNP rs1701169191, ClinGen allele CA350439953.